The following is an entry in ClinVar:

NM_152703.5(SAMD9L):c.1831A>C (p.Thr611Pro)

Gene: SAMD9L (sterile alpha motif domain containing 9 like; minus strand). Cytogenetic location: 7q21.2.
Variant type: single nucleotide variant.
Coding change: c.1831A>C on transcript NM_152703.5 (MANE Select); coding-DNA position 1831, A replaced by C.
Protein change: p.Thr611Pro; replaces threonine 611 with proline.
Molecular consequence: missense variant.
Genome position (GRCh38, 1-based): chr7:93,134,141, T>G on the plus strand (A>C on the coding strand, the complement: SAMD9L is on the minus strand). VCF-style: chr7-93134141-T-G. GRCh37 (hg19) VCF-style: chr7-92763454-T-G.
Other names: c.1831A>C, p.Thr611Pro (NM_001303496.3, NM_001303497.3, NM_001303498.3 and 5 more transcripts); short protein forms T611P.
Identifiers: ClinVar variation 4159280 (VCV004159280.1).

ClinVar aggregate classification (germline): Uncertain significance (1 of 4 stars; one submission).

Conditions:
Inborn genetic diseases. Identifiers: MedGen C0950123, MeSH D030342.

gnomAD v4.1: 2 of 1,613,940 alleles (0.00012%); highest among the groups gnomAD compares: Non-Finnish European, 0.00017%; no homozygotes.

Submission:

Ambry Genetics
Classification: Uncertain significance for Inborn genetic diseases. Last evaluated: 2025-06-28. Review status: criteria provided, single submitter. Criteria: Ambry Variant Classification Scheme 2023. Collection method: clinical testing. Allele origin: germline.
Comment: The p.T611P variant (also known as c.1831A>C), located in coding exon 1 of the SAMD9L gene, results from an A to C substitution at nucleotide position 1831. The threonine at codon 611 is replaced by proline, an amino acid with highly similar properties. This amino acid position is conserved. In addition, this alteration is predicted to be tolerated by in silico analysis. Based on the available evidence, the clinical significance of this variant remains unclear.